The following is an entry in ClinVar:

ClinVar aggregate classification (germline): Benign/Likely benign. Review status: criteria provided, multiple submitters, no conflicts (2 of 4 stars). 26 submissions from 19 submitters: Benign (19); Likely benign (2). 5 of the submissions do not count toward it. Last evaluated 2026-02-04.

Conditions:
Cardiovascular phenotype. Identifiers: MedGen CN230736.
Dilated cardiomyopathy 1G (CMD1G). Identifiers: Orphanet 154, MedGen C1858763, MONDO:0011400, OMIM 604145.
Autosomal recessive limb-girdle muscular dystrophy type 2J (LGMDR10). Also called: Limb-girdle muscular dystrophy, type 2J; MUSCULAR DYSTROPHY, LIMB-GIRDLE, AUTOSOMAL RECESSIVE 10. Identifiers: Orphanet 140922, MedGen C1837342, MONDO:0012127, OMIM 608807.
Cardiomyopathy (CMYO). Also called: Cardiomyopathies. Identifiers: Orphanet 167848, MedGen C0878544, MONDO:0004994, HP:0001638. Inheritance: Various modes of inheritance.
Early-onset myopathy with fatal cardiomyopathy (CMYO5). Also called: CONGENITAL MYOPATHY 5 WITH CARDIOMYOPATHY; Salih Myopathy. Identifiers: Orphanet 289377, MedGen C2673677, MONDO:0012714, OMIM 611705. Disease mechanism: loss of function.
Myopathy, myofibrillar, 9, with early respiratory failure (MFM9). Also called: MYOPATHY, PROXIMAL, WITH EARLY RESPIRATORY MUSCLE INVOLVEMENT; Myopathy, distal, with early respiratory failure, autosomal dominant; Hereditary myopathy with early respiratory failure; EDSTROM MYOPATHY. Identifiers: Orphanet 178464, Orphanet 34521, MedGen C1863599, MONDO:0011362, OMIM 603689.
Tibial muscular dystrophy (TMD). Also called: Tibial muscular dystrophy, tardive; UDD MYOPATHY; Udd Distal Myopathy – Tibial Muscular Dystrophy. Identifiers: Orphanet 609, MedGen C1838244, MONDO:0010870, OMIM 600334.

Allele frequency attached by ClinVar (database versions not stated): gnomAD exomes 0.00370 and 0.00972; ExAC 0.01217; gnomAD 0.03468; 1000 Genomes Project 0.03914; TOPMed 0.04005; 1000 Genomes Project 30x 0.04201; ESP Exome Variant Server 0.04475.
gnomAD v4.1: 11,170 of 1,613,932 alleles (0.69%); highest among the groups gnomAD compares: African/African-American, 13%; 694 homozygotes.

Submissions (26):

Labcorp Genetics (formerly Invitae), Labcorp
Classification: Benign for Dilated cardiomyopathy 1G; Autosomal recessive limb-girdle muscular dystrophy type 2J. Last evaluated: 2026-02-04. Review status: criteria provided, single submitter. Criteria: Invitae Variant Classification Sherloc (09022015). Collection method: clinical testing. Allele origin: germline.

Molecular Diagnostic Laboratory for Inherited Cardiovascular Disease, Montreal Heart Institute
Classification: Benign. Last evaluated: 2025-04-09. Review status: criteria provided, single submitter. Criteria: ACMG Guidelines, 2015. Collection method: clinical testing. Allele origin: germline. Affected: no.

Women's Health and Genetics/Laboratory Corporation of America, LabCorp
Classification: Likely benign. Last evaluated: 2024-03-30. Review status: criteria provided, single submitter. Criteria: LabCorp Variant Classification Summary - May 2015. Collection method: clinical testing. Allele origin: germline.

Athena Diagnostics
Classification: Benign. Last evaluated: 2023-12-08. Review status: criteria provided, single submitter. Criteria: Athena Diagnostics Criteria. Collection method: clinical testing. Allele origin: unknown.

CHEO Genetics Diagnostic Laboratory, Children's Hospital of Eastern Ontario
Classification: Benign for Cardiomyopathy. Last evaluated: 2023-05-16. Review status: criteria provided, single submitter. Criteria: ACMG Guidelines, 2015. Collection method: clinical testing. Allele origin: germline.

Genome-Nilou Lab
Classification: Benign for Autosomal recessive limb-girdle muscular dystrophy type 2J. Last evaluated: 2021-09-10. Review status: criteria provided, single submitter. Criteria: ACMG Guidelines, 2015. Collection method: clinical testing. Allele origin: germline. Affected: no.

Genome-Nilou Lab
Classification: Benign for Myopathy, myofibrillar, 9, with early respiratory failure. Last evaluated: 2021-09-10. Review status: criteria provided, single submitter. Criteria: ACMG Guidelines, 2015. Collection method: clinical testing. Allele origin: germline. Affected: no.

Genome-Nilou Lab
Classification: Benign for Early-onset myopathy with fatal cardiomyopathy. Last evaluated: 2021-09-10. Review status: criteria provided, single submitter. Criteria: ACMG Guidelines, 2015. Collection method: clinical testing. Allele origin: germline. Affected: no.

Genome-Nilou Lab
Classification: Benign for Tibial muscular dystrophy. Last evaluated: 2021-09-10. Review status: criteria provided, single submitter. Criteria: ACMG Guidelines, 2015. Collection method: clinical testing. Allele origin: germline. Affected: no.

Mayo Clinic Laboratories, Mayo Clinic
Classification: Benign. Last evaluated: 2018-05-23. Review status: criteria provided, single submitter. Criteria: ACMG Guidelines, 2015. Collection method: clinical testing. Allele origin: germline. Observed: 76 variant alleles.

Illumina Laboratory Services, Illumina
Classification: Benign for Tibial muscular dystrophy. Last evaluated: 2018-01-13. Review status: criteria provided, single submitter. Criteria: ICSL Variant Classification Criteria 13 December 2019. Collection method: clinical testing. Allele origin: germline.
Comment: This variant was observed in the ICSL laboratory as part of a predisposition screen in an ostensibly healthy population. It had not been previously curated by ICSL or reported in the Human Gene Mutation Database (HGMD: prior to June 1st, 2018), and was therefore a candidate for classification through an automated scoring system. Utilizing variant allele frequency, disease prevalence and penetrance estimates, and inheritance mode, an automated score was calculated to assess if this variant is too frequent to cause the disease. Based on the score and internal cut-off values, a variant classified as benign is not then subjected to further curation. The score for this variant resulted in a classification of benign for this disease.

Illumina Laboratory Services, Illumina
Classification: Benign for Autosomal recessive limb-girdle muscular dystrophy type 2J. Last evaluated: 2018-01-13. Review status: criteria provided, single submitter. Criteria: ICSL Variant Classification Criteria 13 December 2019. Collection method: clinical testing. Allele origin: germline.
Comment: the same text as in the submission from Illumina Laboratory Services, Illumina above.

Illumina Laboratory Services, Illumina
Classification: Benign for Early-onset myopathy with fatal cardiomyopathy. Last evaluated: 2018-01-13. Review status: criteria provided, single submitter. Criteria: ICSL Variant Classification Criteria 13 December 2019. Collection method: clinical testing. Allele origin: germline.
Comment: the same text as in the submission from Illumina Laboratory Services, Illumina above.

Illumina Laboratory Services, Illumina
Classification: Benign for Myopathy, myofibrillar, 9, with early respiratory failure. Last evaluated: 2018-01-13. Review status: criteria provided, single submitter. Criteria: ICSL Variant Classification Criteria 13 December 2019. Collection method: clinical testing. Allele origin: germline.
Comment: the same text as in the submission from Illumina Laboratory Services, Illumina above.

Illumina Laboratory Services, Illumina
Classification: Benign for Dilated cardiomyopathy 1G. Last evaluated: 2018-01-13. Review status: criteria provided, single submitter. Criteria: ICSL Variant Classification Criteria 13 December 2019. Collection method: clinical testing. Allele origin: germline.
Comment: the same text as in the submission from Illumina Laboratory Services, Illumina above.

Biesecker Lab/Clinical Genomics Section, National Institutes of Health
Classification: Benign. Last evaluated: 2013-06-24. Review status: criteria provided, single submitter. Criteria: Ng et al. (Circ Cardiovasc Genet. 2013). Collection method: research. Allele origin: unknown. Observed: 12 variant alleles. Study: ClinSeq.
Comment: The study set was not selected for affection status in relation to any cancer. Pathogenicity categories were based on literature curation. See Pubmed ID:23861362 for details.

Medical sequencing

Ambry Genetics
Classification: Benign for Cardiovascular phenotype. Last evaluated: 2013-02-26. Review status: criteria provided, single submitter. Criteria: Ambry Autosomal Dominant and X-Linked criteria (10/2015). Collection method: clinical testing. Allele origin: germline. Observed: 1 variant allele.

GeneDx
Classification: Benign. Last evaluated: 2012-10-26. Review status: criteria provided, single submitter. Criteria: GeneDx Variant Classification (06012015). Collection method: clinical testing. Allele origin: germline. Affected: yes.
Comment: This variant is considered likely benign or benign based on one or more of the following criteria: it is a conservative change, it occurs at a poorly conserved position in the protein, it is predicted to be benign by multiple in silico algorithms, and/or has population frequency not consistent with disease.

Laboratory for Molecular Medicine, Mass General Brigham Personalized Medicine
Classification: Benign. Last evaluated: 2012-04-24. Review status: criteria provided, single submitter. Criteria: LMM Criteria. Collection method: clinical testing. Allele origin: germline. Observed: 69 variant alleles.
Comment: Ile1393Val in exon 24 of TTN: This variant is not expected to have clinical sign ificance because it has been identified in 12.7% (475/3738) of African American chromosomes from a broad population by the NHLBI Exome Sequencing Project.

Breakthrough Genomics
Classification: Likely benign. Review status: criteria provided, single submitter. Criteria: ACMG Guidelines, 2015. Collection method: not provided. Allele origin: germline. Inheritance: Autosomal recessive inheritance. Affected: yes.

PreventionGenetics, part of Exact Sciences
Classification: Benign. Review status: criteria provided, single submitter. Criteria: ACMG Guidelines, 2015. Collection method: clinical testing. Allele origin: germline.

Clinical Genetics DNA and cytogenetics Diagnostics Lab, Erasmus MC, Erasmus Medical Center
Classification: Benign. Review status: no assertion criteria provided. Collection method: clinical testing. Allele origin: germline. Affected: yes. Study: VKGL Data-share Consensus. Not counted in ClinVar's aggregate classification.

Clinical Genetics, Academic Medical Center
Classification: Benign. Review status: no assertion criteria provided. Collection method: clinical testing. Allele origin: germline. Affected: yes. Study: VKGL Data-share Consensus. Not counted in ClinVar's aggregate classification.

Genetic Services Laboratory, University of Chicago
Classification: Likely benign for AllHighlyPenetrant. Review status: no assertion criteria provided. Collection method: clinical testing. Allele origin: germline. Not counted in ClinVar's aggregate classification.
Comment: Likely benign based on allele frequency in 1000 Genomes Project or ESP global frequency and its presence in a patient with a rare or unrelated disease phenotype. NOT Sanger confirmed.

Genome Diagnostics Laboratory, University Medical Center Utrecht
Classification: Benign. Review status: no assertion criteria provided. Collection method: clinical testing. Allele origin: germline. Affected: yes. Study: VKGL Data-share Consensus. Not counted in ClinVar's aggregate classification.

Laboratory of Diagnostic Genome Analysis, Leiden University Medical Center (LUMC)
Classification: Likely benign. Review status: no assertion criteria provided. Collection method: clinical testing. Allele origin: germline. Affected: yes. Study: VKGL Data-share Consensus. Not counted in ClinVar's aggregate classification.

Literature cited by the submitters: PubMed 27418678 (cited by Athena Diagnostics).

NM_001267550.2(TTN):c.4177A>G (p.Ile1393Val)

Genes: TTN (titin; minus strand), LOC101927055 (uncharacterized LOC101927055; plus strand). Cytogenetic location: 2q31.2.
Variant type: single nucleotide variant.
Coding change: c.4177A>G on transcript NM_001267550.2 (MANE Select); coding-DNA position 4177, A replaced by G.
Protein change: p.Ile1393Val; replaces isoleucine 1393 with valine.
Molecular consequence: missense variant.
Genome position (GRCh38, 1-based): chr2:178,778,905, T>C on the plus strand (A>G on the coding strand, the complement: TTN is on the minus strand). VCF-style: chr2-178778905-T-C. GRCh37 (hg19) VCF-style: chr2-179643632-T-C.
Other names: p.I1393V:ATT>GTT; c.4039A>G, p.Ile1347Val (NM_003319.4, NM_133432.3, NM_133437.4); c.4177A>G, p.Ile1393Val (NM_133379.5, NM_001256850.1, NM_133378.4); short protein forms I1393V, I1347V.
Identifiers: ClinVar variation 47032 (VCV000047032.40), dbSNP rs16866531, ClinGen allele CA283343.
Genomic context (GRCh38, chr2:178,778,905, plus strand): 5'-TAAATAACCCAAATTATTACAAGTCTTACCTGATTCTGCTCACTGGCTCTAGTGTGGGAA[T>C]GTAAGTCGGAGCTCCAAGTGGTGCAGCAGGCTCCACATACAATTTCCCTGAGCAAATTGC-3'
Protein context (NP_001254479.2, residues 1383-1403): PAAPLGAPTY[Ile1393Val]PTLEPVSRIR